The following is an entry in ClinVar:

ClinVar aggregate classification (germline): Uncertain significance. Review status: criteria provided, single submitter (1 of 4 stars). 2 submissions from 2 submitters: Uncertain significance (1). 1 of the submissions does not count toward it. Last evaluated 2022-03-15.

Conditions:
Neurodevelopmental disorder with hypotonia and brain abnormalities. Identifiers: MedGen C5561977, MONDO:0859187, OMIM 619512.
Neurodevelopmental delay. Identifiers: MedGen C4022738, HP:0012758.

Allele frequency attached by ClinVar (database versions not stated): TOPMed below 0.00001; gnomAD 0.00001.
gnomAD v4.1: 1 of 1,613,944 alleles (0.000062%); highest among the groups gnomAD compares: Non-Finnish European, 0.000085%; no homozygotes.

Submissions (2):

SIB Swiss Institute of Bioinformatics
Classification: Uncertain significance for Neurodevelopmental disorder with hypotonia and brain abnormalities. Last evaluated: 2022-03-15. Review status: criteria provided, single submitter. Criteria: ACMG Guidelines, 2015. Collection method: curation. Allele origin: unknown.
Comment: This variant is interpreted as a variant of uncertain significance for Neurodevelopmental disorder with hypotonia and brain abnormalities, autosomal dominant. The following ACMG Tag(s) were applied: Absent from controls (or at extremely low frequency if recessive) in Exome Sequencing Project, 1000 Genomes Project, or Exome Aggregation Consortium (PM2); Missense variant in a gene that has a low rate of benign missense variation (PP2).

Gene Discovery Core-Manton Center, Boston Children's Hospital
Classification: Pathogenic for Neurodevelopmental delay. Review status: no assertion criteria provided. Collection method: clinical testing. Allele origin: unknown. Affected: yes. Observed: 1 variant allele. Not counted in ClinVar's aggregate classification.

Literature cited by the submitters: PubMed 34186028 (cited by SIB Swiss Institute of Bioinformatics).

NM_001829.4(CLCN3):c.1238C>T (p.Ala413Val)

Gene: CLCN3 (chloride voltage-gated channel 3; plus strand). Cytogenetic location: 4q33.
Variant type: single nucleotide variant.
Coding change: c.1238C>T on transcript NM_001829.4 (MANE Select); coding-DNA position 1238, C replaced by T.
Protein change: p.Ala413Val; replaces alanine 413 with valine.
Molecular consequence: missense variant.
Genome position (GRCh38, 1-based): chr4:169,697,409, C>T. VCF-style: chr4-169697409-C-T. GRCh37 (hg19) VCF-style: chr4-170618560-C-T.
Other names: c.1157C>T, p.Ala386Val (NM_001243372.2, NM_001243374.2); c.1238C>T, p.Ala413Val (NM_173872.4); short protein forms A386V, A413V.
Identifiers: ClinVar variation 1192289 (VCV001192289.2), dbSNP rs1190062987, ClinGen allele CA358739536.